The following is an entry in ClinVar:

NM_002528.7(NTHL1):c.479ATG[1] (p.Asp161del)

Gene: NTHL1 (nth like DNA glycosylase 1; minus strand). Cytogenetic location: 16p13.3.
Variant type: Microsatellite.
Coding change: c.479ATG[1] on transcript NM_002528.7 (MANE Select); one copy of the 3-base unit ATG starting at c.479; the reference has two copies in a row; one copy, 3 bases deleted.
Protein change: p.Asp161del; deletes aspartic acid 161.
Molecular consequence: inframe deletion. On other transcripts: intron variant (1).
Genome position (GRCh38, 1-based): chr16:2,044,671-2,044,673, CAT deleted on the plus strand (ATG on the coding strand, the reverse complement: NTHL1 is on the minus strand); deleting any 3 consecutive bases within chr16:2,044,671-2,044,677 gives the same sequence; the position shown is the placement nearest the transcript's 3' end. VCF-style (leftmost placement, unchanged base first): chr16-2044670-GCAT-G. GRCh37 (hg19) VCF-style: chr16-2094671-GCAT-G.
Other names: c.149ATG[1], p.Asp51del (NM_001318194.2); c.355-947_355-945del (NM_001318193.2); short protein forms D161del, D51del.
Identifiers: ClinVar variation 1745102 (VCV001745102.5), dbSNP rs2548316190, ClinGen allele CA2580613381.

ClinVar aggregate classification (germline): Uncertain significance. Review status: criteria provided, multiple submitters, no conflicts (2 of 4 stars). 2 submissions from 2 submitters: Uncertain significance (2). Last evaluated 2023-02-13.

Conditions:
Hereditary cancer-predisposing syndrome. Also called: Hereditary Cancer Syndrome; Neoplastic Syndromes, Hereditary; Tumor predisposition; Hereditary neoplastic syndrome. Identifiers: Orphanet 140162, MedGen C0027672, MeSH D009386, MONDO:0015356.

Submissions (2):

Labcorp Genetics (formerly Invitae), Labcorp
Classification: Uncertain significance. Last evaluated: 2023-02-13. Review status: criteria provided, single submitter. Criteria: Invitae Variant Classification Sherloc (09022015). Collection method: clinical testing. Allele origin: germline.
Comment: This variant is not present in population databases (gnomAD no frequency). This variant, c.506_508del, results in the deletion of 1 amino acid(s) of the NTHL1 protein (p.Asp169del), but otherwise preserves the integrity of the reading frame. This variant has not been reported in the literature in individuals affected with NTHL1-related conditions. Experimental studies and prediction algorithms are not available or were not evaluated, and the functional significance of this variant is currently unknown. In summary, the available evidence is currently insufficient to determine the role of this variant in disease. Therefore, it has been classified as a Variant of Uncertain Significance.

Ambry Genetics
Classification: Uncertain significance for Hereditary cancer-predisposing syndrome. Last evaluated: 2022-10-14. Review status: criteria provided, single submitter. Criteria: Ambry Variant Classification Scheme 2023. Collection method: clinical testing. Allele origin: germline.
Comment: The c.506_508delATG variant (also known as p.D169del) is located in coding exon 3 of the NTHL1 gene. This variant results from an in-frame ATG deletion at nucleotide positions 506 to 508. This results in the in-frame deletion of an aspartic acid at codon 169. This amino acid position is well conserved in available vertebrate species. In addition, this alteration is predicted to be deleterious by in silico analysis (Choi Y et al. PLoS ONE. 2012; 7(10):e46688). Since supporting evidence is limited at this time, the clinical significance of this alteration remains unclear.